The following is an entry in ClinVar:

NM_058216.3(RAD51C):c.310T>G (p.Cys104Gly)

Gene: RAD51C (RAD51 paralog C; plus strand). Cytogenetic location: 17q22.
Variant type: single nucleotide variant.
Coding change: c.310T>G on transcript NM_058216.3 (MANE Select); coding-DNA position 310, T replaced by G.
Protein change: p.Cys104Gly; replaces cysteine 104 with glycine.
Molecular consequence: missense variant. On other transcripts: non-coding transcript variant (2).
Genome position (GRCh38, 1-based): chr17:58,695,095, T>G. VCF-style: chr17-58695095-T-G. GRCh37 (hg19) VCF-style: chr17-56772456-T-G.
Other names: c.310T>G, p.Cys104Gly (NM_002876.4); short protein forms C104G.
Identifiers: ClinVar variation 3786498 (VCV003786498.1).

ClinVar aggregate classification (germline): Uncertain significance (1 of 4 stars; one submission).

Conditions:
Hereditary cancer-predisposing syndrome. Also called: Neoplastic Syndromes, Hereditary; Hereditary Cancer Syndrome; Tumor predisposition; Hereditary neoplastic syndrome. Identifiers: Orphanet 140162, MedGen C0027672, MeSH D009386, MONDO:0015356.

Submission:

Ambry Genetics
Classification: Uncertain significance for Hereditary cancer-predisposing syndrome. Last evaluated: 2025-02-16. Review status: criteria provided, single submitter. Criteria: Ambry Variant Classification Scheme 2023. Collection method: clinical testing. Allele origin: germline.
Comment: The p.C104G variant (also known as c.310T>G), located in coding exon 2 of the RAD51C gene, results from a T to G substitution at nucleotide position 310. The cysteine at codon 104 is replaced by glycine, an amino acid with highly dissimilar properties. This amino acid position is conserved. In addition, the in silico prediction for this alteration is inconclusive. Based on the available evidence, the clinical significance of this variant remains unclear.